The following is an entry in ClinVar:

ClinVar aggregate classification (germline): Uncertain significance (1 of 4 stars; one submission).

Conditions:
Gnathodiaphyseal dysplasia (GDD). Also called: GNATHODIAPHYSEAL SCLEROSIS; OSTEOGENESIS IMPERFECTA WITH UNUSUAL SKELETAL LESIONS. Identifiers: Orphanet 53697, MedGen C1833736, MONDO:0008151, OMIM 166260.
Autosomal recessive limb-girdle muscular dystrophy type 2L (LGMDR12). Also called: Limb-girdle muscular dystrophy, type 2L; MUSCULAR DYSTROPHY, LIMB-GIRDLE, AUTOSOMAL RECESSIVE 12; Limb-Girdle Muscular Dystrophy R12 Anoctamin-5-Related (LGMD-R12). Identifiers: Orphanet 206549, MedGen C1969785, MONDO:0012652, OMIM 611307.

Submission:

Labcorp Genetics (formerly Invitae), Labcorp
Classification: Uncertain significance for Autosomal recessive limb-girdle muscular dystrophy type 2L; Gnathodiaphyseal dysplasia. Last evaluated: 2025-11-18. Review status: criteria provided, single submitter. Criteria: Invitae Variant Classification Sherloc (09022015). Collection method: clinical testing. Allele origin: germline.
Comment: This sequence change replaces tyrosine, which is neutral and polar, with serine, which is neutral and polar, at codon 585 of the ANO5 protein (p.Tyr585Ser). This variant is not present in population databases (gnomAD no frequency). This variant has not been reported in the literature in individuals affected with ANO5-related conditions. Invitae Evidence Modeling of protein sequence and biophysical properties (such as structural, functional, and spatial information, amino acid conservation, physicochemical variation, residue mobility, and thermodynamic stability) has been performed for this missense variant. However, the output from this modeling did not meet the statistical confidence thresholds required to predict the impact of this variant on ANO5 protein function. In summary, the available evidence is currently insufficient to determine the role of this variant in disease. Therefore, it has been classified as a Variant of Uncertain Significance.

NM_213599.3(ANO5):c.1754A>C (p.Tyr585Ser)

Gene: ANO5 (anoctamin 5; plus strand). Cytogenetic location: 11p14.3.
Variant type: single nucleotide variant.
Coding change: c.1754A>C on transcript NM_213599.3 (MANE Select); coding-DNA position 1754, A replaced by C.
Protein change: p.Tyr585Ser; replaces tyrosine 585 with serine.
Molecular consequence: missense variant. On other transcripts: intron variant (3).
Genome position (GRCh38, 1-based): chr11:22,262,252, A>C. VCF-style: chr11-22262252-A-C. GRCh37 (hg19) VCF-style: chr11-22283798-A-C.
Other names: c.1751A>C, p.Tyr584Ser (NM_001142649.2); c.1712A>C, p.Tyr571Ser (NM_001410963.1); c.1709A>C, p.Tyr570Ser (NM_001410964.1); c.1676A>C, p.Tyr559Ser (NM_001441294.1); c.1673A>C, p.Tyr558Ser (NM_001441295.1); c.1661A>C, p.Tyr554Ser (NM_001441296.1); c.1634A>C, p.Tyr545Ser (NM_001441297.1); c.1598A>C, p.Tyr533Ser (NM_001441298.1); and 4 more; short protein forms Y559S, Y533S, Y554S, Y558S, Y584S, Y585S, Y545S, Y570S.
Identifiers: ClinVar variation 4789396 (VCV004789396.1).